The following is an entry in ClinVar:

NM_000089.4(COL1A2):c.1826G>A (p.Arg609Gln)

Gene: COL1A2 (collagen type I alpha 2 chain; plus strand). Cytogenetic location: 7q21.3.
Variant type: single nucleotide variant.
Coding change: c.1826G>A on transcript NM_000089.4 (MANE Select); coding-DNA position 1826, G replaced by A.
Protein change: p.Arg609Gln; replaces arginine 609 with glutamine.
Molecular consequence: missense variant.
Genome position (GRCh38, 1-based): chr7:94,416,466, G>A. VCF-style: chr7-94416466-G-A. GRCh37 (hg19) VCF-style: chr7-94045778-G-A.
Other names: short protein forms R609Q.
Identifiers: ClinVar variation 2925864 (VCV002925864.3), dbSNP rs758673298, ClinGen allele CA4347212.

ClinVar aggregate classification (germline): Uncertain significance (1 of 4 stars; one submission).

Conditions:
Osteogenesis imperfecta type I (OI1). Also called: Lobstein disease; OI, TYPE I; OSTEOGENESIS IMPERFECTA TARDA; OSTEOGENESIS IMPERFECTA WITH BLUE SCLERAE; Osteogenesis imperfecta type 1; Lobstein's Disease. Identifiers: Orphanet 216796, Orphanet 666, MedGen C0023931, MONDO:0008146, OMIM 166200. Disease mechanism: loss of function.
Ehlers-Danlos syndrome, classic type, 1 (EDSCL1). Also called: EDS I; EHLERS-DANLOS SYNDROME, GRAVIS TYPE; EHLERS-DANLOS SYNDROME, SEVERE CLASSIC TYPE; Ehlers-Danlos syndrome, type 1; Ehlers-Danlos Syndrome, Classic Type, COL5A1-Related. Identifiers: MedGen C0268335, MONDO:0019567, OMIM 130000.

Allele frequency attached by ClinVar (database versions not stated): gnomAD 0.00001; gnomAD exomes 0.00001; ExAC 0.00006.
gnomAD v4.1: 21 of 1,584,840 alleles (0.0013%); highest among the groups gnomAD compares: South Asian, 0.017%; no homozygotes.

Submission:

Labcorp Genetics (formerly Invitae), Labcorp
Classification: Uncertain significance for Osteogenesis imperfecta type I; Ehlers-Danlos syndrome, classic type, 1. Last evaluated: 2023-07-18. Review status: criteria provided, single submitter. Criteria: Invitae Variant Classification Sherloc (09022015). Collection method: clinical testing. Allele origin: germline.
Comment: This missense change has been observed in individual(s) with osteogenesis imperfecta (PMID: 35052464). The frequency data for this variant in the population databases is considered unreliable, as metrics indicate poor data quality at this position in the gnomAD database. This sequence change replaces arginine, which is basic and polar, with glutamine, which is neutral and polar, at codon 609 of the COL1A2 protein (p.Arg609Gln). Advanced modeling of protein sequence and biophysical properties (such as structural, functional, and spatial information, amino acid conservation, physicochemical variation, residue mobility, and thermodynamic stability) performed at Invitae indicates that this missense variant is not expected to disrupt COL1A2 protein function. In summary, the available evidence is currently insufficient to determine the role of this variant in disease. Therefore, it has been classified as a Variant of Uncertain Significance.

Literature cited by the submitters: PubMed 35052464.